The following is an entry in ClinVar:

NM_003482.4(KMT2D):c.5486T>C (p.Ile1829Thr)

Gene: KMT2D (lysine methyltransferase 2D; minus strand). Cytogenetic location: 12q13.12.
Variant type: single nucleotide variant.
Coding change: c.5486T>C on transcript NM_003482.4 (MANE Select); coding-DNA position 5486, T replaced by C.
Protein change: p.Ile1829Thr; replaces isoleucine 1829 with threonine.
Molecular consequence: missense variant.
Genome position (GRCh38, 1-based): chr12:49,043,410, A>G on the plus strand (T>C on the coding strand, the complement: KMT2D is on the minus strand). VCF-style: chr12-49043410-A-G. GRCh37 (hg19) VCF-style: chr12-49437193-A-G.
Other names: short protein forms I1829T.
Identifiers: ClinVar variation 4801240 (VCV004801240.1).
Genomic context (GRCh38, chr12:49,043,410, plus strand): 5'-CGGCAGCCCTCACCTGGTGTATCGGCTTTGCCCTCGAGGCCACGGGATTCTTCATCTGCA[A>G]TATCTGGACCATCATCTCCTATGAGCAAGAGTCCCCCCTCCAATCAGAGATGTCCTACAT-3'
Protein context (NP_003473.3, residues 1819-1839): TSQKGDDGPD[Ile1829Thr]ADEESRGLEG

ClinVar aggregate classification (germline): Uncertain significance (1 of 4 stars; one submission).

Conditions:
Kabuki syndrome. Also called: NIIKAWA-KUROKI SYNDROME; Kabuki make-up syndrome. Identifiers: Orphanet 2322, MedGen C0796004, MONDO:0016512.

gnomAD v4.1: 1 of 1,613,982 alleles (0.000062%); highest among the groups gnomAD compares: Non-Finnish European, 0.000085%; no homozygotes.

Submission:

Labcorp Genetics (formerly Invitae), Labcorp
Classification: Uncertain significance for Kabuki syndrome. Last evaluated: 2025-10-23. Review status: criteria provided, single submitter. Criteria: Invitae Variant Classification Sherloc (09022015). Collection method: clinical testing. Allele origin: germline.
Comment: This sequence change replaces isoleucine, which is neutral and non-polar, with threonine, which is neutral and polar, at codon 1829 of the KMT2D protein (p.Ile1829Thr). This variant is not present in population databases (gnomAD no frequency). This variant has not been reported in the literature in individuals affected with KMT2D-related conditions. Invitae Evidence Modeling of protein sequence and biophysical properties (such as structural, functional, and spatial information, amino acid conservation, physicochemical variation, residue mobility, and thermodynamic stability) indicates that this missense variant is not expected to disrupt KMT2D protein function with a negative predictive value of 95%. In summary, the available evidence is currently insufficient to determine the role of this variant in disease. Therefore, it has been classified as a Variant of Uncertain Significance.